The following is an entry in ClinVar:

NM_000059.4(BRCA2):c.9934A>G (p.Ile3312Val)

Gene: BRCA2 (BRCA2 DNA repair associated; plus strand). Cytogenetic location: 13q13.1.
Variant type: single nucleotide variant.
Coding change: c.9934A>G on transcript NM_000059.4 (MANE Select); coding-DNA position 9934, A replaced by G.
Protein change: p.Ile3312Val; replaces isoleucine 3312 with valine.
Molecular consequence: missense variant.
Genome position (GRCh38, 1-based): chr13:32,398,447, A>G. VCF-style: chr13-32398447-A-G. GRCh37 (hg19) VCF-style: chr13-32972584-A-G.
Other names: short protein forms I3312V.
Identifiers: ClinVar variation 38265 (VCV000038265.33), dbSNP rs80359254, ClinGen allele CA026337.
Genomic context (GRCh38, chr13:32,398,447, plus strand): 5'-CCGGCTGCACAGAAGGCATTTCAGCCACCAAGGAGTTGTGGCACCAAATACGAAACACCC[A>G]TAAAGAAAAAAGAACTGAATTCTCCTCAGATGACTCCATTTAAAAAATTCAATGAAATTT-3'
Protein context (NP_000050.3, residues 3302-3322): RSCGTKYETP[Ile3312Val]KKKELNSPQM

ClinVar aggregate classification (germline): Conflicting classifications of pathogenicity. Review status: criteria provided, conflicting classifications (1 of 4 stars). 12 submissions from 12 submitters: Uncertain significance (6); Likely benign (3). 3 of the submissions do not count toward it. Last evaluated 2026-01-13.

Conditions:
BRCA2-related disorder. Also called: BRCA2-related condition; BRCA2-related disorders. Identifiers: MedGen CN239275.
Hereditary cancer-predisposing syndrome. Also called: Hereditary neoplastic syndrome; Tumor predisposition; Hereditary Cancer Syndrome; Neoplastic Syndromes, Hereditary. Identifiers: Orphanet 140162, MedGen C0027672, MeSH D009386, MONDO:0015356.
Breast-ovarian cancer, familial, susceptibility to, 2 (BROVCA2). Also called: BRCA2 Hereditary Breast and Ovarian Cancer. Identifiers: Orphanet 145, MedGen C2675520, MONDO:0012933, OMIM 612555. Disease mechanism: loss of function.
Familial cancer of breast. Also called: BREAST CANCER, FAMILIAL; Hereditary breast cancer; hereditary breast carcinoma. Identifiers: Orphanet 227535, MedGen C0346153, MONDO:0016419, OMIM 114480. Disease mechanism: loss of function.
Hereditary breast ovarian cancer syndrome. Also called: Breast and ovarian cancer; Hereditary breast and/or ovarian cancer syndrome; BRCA1- and BRCA2-Associated Hereditary Breast and Ovarian Cancer; Hereditary breast and ovarian cancer syndrome; Hereditary breast and ovarian cancer; Hereditary breast and ovarian cancer syndrome (HBOC). Identifiers: Orphanet 145, MedGen C0677776, MeSH D061325, MONDO:0003582. Disease mechanism: loss of function.

Allele frequency attached by ClinVar (database versions not stated): ExAC 0.00001; gnomAD 0.00001; gnomAD exomes 0.00001 and 0.00002; TOPMed 0.00001.
gnomAD v4.1: 22 of 1,614,244 alleles (0.0014%); highest among the groups gnomAD compares: East Asian, 0.0022%; no homozygotes.

Submissions (12):

Labcorp Genetics (formerly Invitae), Labcorp
Classification: Uncertain significance for Hereditary breast ovarian cancer syndrome. Last evaluated: 2026-01-13. Review status: criteria provided, single submitter. Criteria: Invitae Variant Classification Sherloc (09022015). Collection method: clinical testing. Allele origin: germline.
Comment: This sequence change replaces isoleucine, which is neutral and non-polar, with valine, which is neutral and non-polar, at codon 3312 of the BRCA2 protein (p.Ile3312Val). This variant is present in population databases (rs80359254, gnomAD 0.003%). This missense change has been observed in individual(s) with a personal or family history of breast or ovarian cancer (PMID: 18779604, 27124784, 31273614, 33773534, 34828379). ClinVar contains an entry for this variant (Variation ID: 38265). Invitae Evidence Modeling of protein sequence and biophysical properties (such as structural, functional, and spatial information, amino acid conservation, physicochemical variation, residue mobility, and thermodynamic stability) indicates that this missense variant is not expected to disrupt BRCA2 protein function with a negative predictive value of 95%. In summary, the available evidence is currently insufficient to determine the role of this variant in disease. Therefore, it has been classified as a Variant of Uncertain Significance.

Women's Health and Genetics/Laboratory Corporation of America, LabCorp
Classification: Uncertain significance. Last evaluated: 2025-12-05. Review status: criteria provided, single submitter. Criteria: LabCorp Variant Classification Summary - May 2015. Collection method: clinical testing. Allele origin: germline.
Comment: Variant summary: BRCA2 c.9934A>G (p.Ile3312Val) results in a conservative amino acid change in the encoded protein sequence. Algorithms developed to predict the effect of missense changes on protein structure and function all suggest that this variant is likely to be tolerated. The variant allele was found at a frequency of 1.4e-05 in 1607270 control chromosomes (gnomAD). This frequency is not significantly higher than estimated for disease-causing variants in BRCA2, allowing no conclusion about variant significance. The variant, c.9934A>G, has been observed in individuals affected with breast- and ovarian cancer, without strong evidence for causality, in addition, it was also found in controls (e.g. Park_2016, Gervas_2019, Tariq_2021, Onsekiz_2021, Senturk_2021, Dorling_2021, Dong2021, Yao_2022, Boga_2023, Duzkale_2024, Ozer_2025). These reports do not provide unequivocal conclusions about association of the variant with Hereditary Breast And Ovarian Cancer Syndrome. To our knowledge, no experimental evidence demonstrating an impact on protein function has been reported. The following publications have been ascertained in the context of this evaluation (PMID: 31273614, 34658299, 27124784, 34828379, 28422718, 33773534, 35864222, 27403073, 33471991, 32467295, 39451174, 40851390, 37415649). ClinVar contains an entry for this variant (Variation ID: 38265). Based on the evidence outlined above, the variant was classified as uncertain significance.

PreventionGenetics, part of Exact Sciences
Classification: Uncertain significance for BRCA2-related condition. Last evaluated: 2025-11-11. Review status: criteria provided, single submitter. Criteria: ACMG Guidelines, 2015. Collection method: clinical testing. Allele origin: germline.
Comment: The BRCA2 c.9934A>G variant is predicted to result in the amino acid substitution p.Ile3312Val. This variant has been reported as a variant of uncertain significance in several individuals with a personal history of breast and/or ovarian cancer (Tariq et al. 2021. PubMed ID: 33773534; Gervas et al. 2019. PubMed ID: 31273614; Senturk et al. 2021. PubMed ID: 34828379; Supp. Table 2, Yao et al. 2022. PubMed ID: 35864222). This variant is reported in 0.0026% of alleles in individuals of European (non-Finnish) descent in gnomAD and has conflicting interpretations of likely benign and uncertain in ClinVar (Variation ID: 38265). At this time, the clinical significance of this variant is uncertain due to the absence of conclusive functional and genetic evidence.

Ambry Genetics
Classification: Likely benign for Hereditary cancer-predisposing syndrome. Last evaluated: 2024-09-19. Review status: criteria provided, single submitter. Criteria: Ambry Variant Classification Scheme 2023. Collection method: clinical testing. Allele origin: germline.

GeneDx
Classification: Uncertain significance. Last evaluated: 2024-06-24. Review status: criteria provided, single submitter. Criteria: GeneDx Variant Classification Process June 2021. Collection method: clinical testing. Allele origin: germline. Affected: yes.
Comment: Observed in individuals with personal and/or family history of breast and/or ovarian cancer (PMID: 18779604, 27124784, 31273614, 33471991, 34658299, 34828379, 33773534, 35864222); In silico analysis indicates that this missense variant does not alter protein structure/function; Not observed at significant frequency in large population cohorts (gnomAD); Also known as 10162A>G; This variant is associated with the following publications: (PMID: 27403073, 20435227, 16011303, 18779604, 16683254, 27124784, 31273614, 34658299, 10733923, 33471991, 34828379, 28422718, 35864222, 33773534)

All of Us Research Program, National Institutes of Health
Classification: Likely benign for Breast-ovarian cancer, familial, susceptibility to, 2. Last evaluated: 2023-11-20. Review status: criteria provided, single submitter. Criteria: ACMG Guidelines, 2015. Collection method: clinical testing. Allele origin: germline. Inheritance: Autosomal dominant inheritance. Observed: 1 variant allele, 1 heterozygote.
Comment: This study involves interpretation of variants in research participants for the purpose of population health screening. Participant phenotype was not available at the time of variant classification. Additional details can be found in publication PMID: 35346344, PMCID: PMC8962531

KCCC/NGS Laboratory, Kuwait Cancer Control Center
Classification: Uncertain significance for Breast-ovarian cancer, familial, susceptibility to, 2. Last evaluated: 2023-06-06. Review status: criteria provided, single submitter. Criteria: ACMG Guidelines, 2015. Collection method: clinical testing. Allele origin: germline. Affected: yes.
Comment: This sequence change replaces isoleucine, which is neutral and non-polar, with valine, which is neutral and non-polar, at codon 3312 of the BRCA2 protein (p.Ile3312Val). This variant is present in population databases (rs80359254, gnomAD 0.003%). This missense change has been observed in individual(s) with a personal or family history of breast or ovarian cancer (PMID: 18779604, 27124784, 31273614). ClinVar contains an entry for this variant (Variation ID: 38265). . In summary, the available evidence is currently insufficient to determine the role of this variant in disease. Therefore, it has been classified as a Variant of Uncertain Significance

Department of Pathology and Laboratory Medicine, Sinai Health System
Classification: Uncertain significance for Familial cancer of breast; Breast-ovarian cancer, familial, susceptibility to, 2. Last evaluated: 2022-06-02. Review status: criteria provided, single submitter. Criteria: ACMG Guidelines, 2015. Collection method: clinical testing. Allele origin: germline. Affected: yes.

Color Diagnostics, LLC DBA Color Health
Classification: Likely benign for Hereditary cancer-predisposing syndrome. Last evaluated: 2016-10-17. Review status: criteria provided, single submitter. Criteria: ACMG Guidelines, 2015. Collection method: clinical testing. Allele origin: germline.

Counsyl
Classification: Uncertain significance for Breast-ovarian cancer, familial, susceptibility to, 2. Last evaluated: 2016-01-27. Review status: no assertion criteria provided. Collection method: clinical testing. Allele origin: unknown. Not counted in ClinVar's aggregate classification.

Sharing Clinical Reports Project (SCRP)
Classification: Uncertain significance for Breast-ovarian cancer, familial 2. Last evaluated: 2007-01-24. Review status: no assertion criteria provided. Collection method: clinical testing. Allele origin: germline. Not counted in ClinVar's aggregate classification.

Breast Cancer Information Core (BIC) (BRCA2)
Classification: Uncertain significance for Breast-ovarian cancer, familial 2. Last evaluated: 2003-12-23. Review status: no assertion criteria provided. Collection method: clinical testing. Allele origin: germline. Affected: yes. Observed: 1 variant allele. Not counted in ClinVar's aggregate classification.

Literature cited by the submitters: PubMed 18779604 (cited by 3 submitters); PubMed 27124784 (cited by 3 submitters); PubMed 31273614 (cited by 4 submitters); PubMed 33773534 (cited by 3 submitters); PubMed 34828379 (cited by Labcorp Genetics (formerly Invitae), Labcorp and Women's Health and Genetics/Laboratory Corporation of America, LabCorp); PubMed 27403073 (cited by Women's Health and Genetics/Laboratory Corporation of America, LabCorp and Ambry Genetics); PubMed 28422718 (cited by Women's Health and Genetics/Laboratory Corporation of America, LabCorp); PubMed 33471991 (cited by Women's Health and Genetics/Laboratory Corporation of America, LabCorp and Ambry Genetics); PubMed 32467295 (cited by Women's Health and Genetics/Laboratory Corporation of America, LabCorp); PubMed 34658299 (cited by Women's Health and Genetics/Laboratory Corporation of America, LabCorp); PubMed 35864222 (cited by Women's Health and Genetics/Laboratory Corporation of America, LabCorp); PubMed 37415649 (cited by Women's Health and Genetics/Laboratory Corporation of America, LabCorp); PubMed 39451174 (cited by Women's Health and Genetics/Laboratory Corporation of America, LabCorp); PubMed 40851390 (cited by Women's Health and Genetics/Laboratory Corporation of America, LabCorp); PubMed 24817641 (cited by Counsyl); PubMed 20435227 (cited by Counsyl).